The following is an entry in ClinVar:

NM_024642.5(GALNT12):c.1700C>G (p.Thr567Ser)

Gene: GALNT12 (polypeptide N-acetylgalactosaminyltransferase 12; plus strand). Cytogenetic location: 9q22.33.
Variant type: single nucleotide variant.
Coding change: c.1700C>G on transcript NM_024642.5 (MANE Select); coding-DNA position 1700, C replaced by G.
Protein change: p.Thr567Ser; replaces threonine 567 with serine.
Molecular consequence: missense variant.
Genome position (GRCh38, 1-based): chr9:98,849,046, C>G. VCF-style: chr9-98849046-C-G. GRCh37 (hg19) VCF-style: chr9-101611328-C-G.
Other names: short protein forms T567S.
Identifiers: ClinVar variation 1778346 (VCV001778346.5), dbSNP rs1414552027, ClinGen allele CA374223239.
Genomic context (GRCh38, chr9:98,849,046, plus strand): 5'-GTGTCCAGGCTGCGAGGAAGGAGTCGAGTGACAGTTTCGTTCCACTCTTACGAGACTGCA[C>G]CAACTCGGATCATCAGAAATGGTTCTTCAAAGAGCGCATGTTATGAAGCCTCGTGTATCA-3'
Protein context (NP_078918.3, residues 557-577): DSFVPLLRDC[Thr567Ser]NSDHQKWFFK

ClinVar aggregate classification (germline): Uncertain significance. Review status: criteria provided, multiple submitters, no conflicts (2 of 4 stars). 2 submissions from 2 submitters: Uncertain significance (2). Last evaluated 2025-07-12.

Allele frequency attached by ClinVar (database versions not stated): TOPMed 0.00001.

Submissions (2):

Ambry Genetics
Classification: Uncertain significance. Last evaluated: 2025-07-12. Review status: criteria provided, single submitter. Criteria: Ambry Variant Classification Scheme 2023. Collection method: clinical testing. Allele origin: germline.
Comment: The p.T567S variant (also known as c.1700C>G), located in coding exon 10 of the GALNT12 gene, results from a C to G substitution at nucleotide position 1700. The threonine at codon 567 is replaced by serine, an amino acid with similar properties. This amino acid position is not well conserved in available vertebrate species. In addition, this alteration is predicted to be tolerated by in silico analysis. Since supporting evidence is limited at this time, the clinical significance of this alteration remains unclear.

Quest Diagnostics Nichols Institute San Juan Capistrano
Classification: Uncertain significance. Last evaluated: 2025-06-10. Review status: criteria provided, single submitter. Criteria: Quest Diagnostics criteria. Collection method: clinical testing. Allele origin: unknown.
Comment: The GALNT12 c.1700C>G (p.Thr567Ser) variant has not been reported in individuals with GALNT12-related conditions in the published literature. It also has not been reported in large, multi-ethnic general populations (Genome Aggregation Database). Analysis of this variant using bioinformatics tools for the prediction of the effect of amino acid changes on protein structure and function yielded predictions that this variant is benign. Based on the available information, we are unable to determine the clinical significance of this variant.